The following is an entry in ClinVar:

NM_001017975.6(HFM1):c.1059A>G (p.Lys353=)

Gene: HFM1 (helicase for meiosis 1; minus strand). Cytogenetic location: 1p22.2.
Variant type: single nucleotide variant.
Coding change: c.1059A>G on transcript NM_001017975.6 (MANE Select); coding-DNA position 1059, A replaced by G.
Protein change: p.Lys353=; no amino-acid change (lysine 353 retained).
Molecular consequence: synonymous variant. On other transcripts: non-coding transcript variant (1).
Genome position (GRCh38, 1-based): chr1:91,379,162, T>C on the plus strand (A>G on the coding strand, the complement: HFM1 is on the minus strand). VCF-style: chr1-91379162-T-C. GRCh37 (hg19) VCF-style: chr1-91844719-T-C.
Identifiers: ClinVar variation 3025165 (VCV003025165.22), dbSNP rs1469011402, ClinGen allele CA418749627.
Genomic context (GRCh38, chr1:91,379,162, plus strand): 5'-TAGATCATCCATTACTGTATCTCCAGTAAGTTCTTTACAATTCAATCCTATTGGTCCAAA[T>C]TTTTCTTTCCAGTCATCAAAACGCTGACTGCACAAGGCTTTTATTGGTGCCACTGTAACA-3'
Protein context (NP_001017975.5, residues 343-363): CSQRFDDWKE[Lys353=]FGPIGLNCKE

ClinVar aggregate classification (germline): Uncertain significance (1 of 4 stars; one submission).

Allele frequency attached by ClinVar (database versions not stated): gnomAD exomes below 0.00001.
gnomAD v4.1: 2 of 1,609,874 alleles (0.00012%); highest among the groups gnomAD compares: Non-Finnish European, 0.00017%; no homozygotes.

Submission:

CeGaT Center for Human Genetics Tuebingen
Classification: Uncertain significance. Last evaluated: 2024-01-01. Review status: criteria provided, single submitter. Criteria: CeGaT Center For Human Genetics Tuebingen Variant Classification Criteria Version 2. Collection method: clinical testing. Allele origin: germline. Affected: yes. Observed: 1 variant allele.
Comment: HFM1: PM2:Supporting, BP4